The following is an entry in ClinVar:

ClinVar aggregate classification (germline): Uncertain significance (1 of 4 stars; one submission).

Conditions:
Hereditary cancer-predisposing syndrome. Also called: Neoplastic Syndromes, Hereditary; Hereditary Cancer Syndrome; Hereditary neoplastic syndrome; Tumor predisposition. Identifiers: Orphanet 140162, MedGen C0027672, MeSH D009386, MONDO:0015356.

Allele frequency attached by ClinVar (database versions not stated): gnomAD exomes below 0.00001.
gnomAD v4.1: 2 of 1,613,788 alleles (0.00012%); highest among the groups gnomAD compares: Non-Finnish European, 0.00017%; no homozygotes.

Submission:

Ambry Genetics
Classification: Uncertain significance for Hereditary cancer-predisposing syndrome. Last evaluated: 2023-03-27. Review status: criteria provided, single submitter. Criteria: Ambry Variant Classification Scheme 2023. Collection method: clinical testing. Allele origin: germline.
Comment: The p.V1088F variant (also known as c.3262G>T), located in coding exon 9 of the BRCA1 gene, results from a G to T substitution at nucleotide position 3262. The valine at codon 1088 is replaced by phenylalanine, an amino acid with highly similar properties. This amino acid position is poorly conserved in available vertebrate species. In addition, the in silico prediction for this alteration is inconclusive. Since supporting evidence is limited at this time, the clinical significance of this alteration remains unclear.

NM_007294.4(BRCA1):c.3262G>T (p.Val1088Phe)

Genes: BRCA1 (BRCA1 DNA repair associated; minus strand), LOC126862571 (BRD4-independent group 4 enhancer GRCh37_chr17:41243136-41244335; plus strand). Cytogenetic location: 17q21.31.
Variant type: single nucleotide variant.
Coding change: c.3262G>T on transcript NM_007294.4 (MANE Select); coding-DNA position 3262, G replaced by T.
Protein change: p.Val1088Phe; replaces valine 1088 with phenylalanine.
Molecular consequence: missense variant. On other transcripts: intron variant (137).
Genome position (GRCh38, 1-based): chr17:43,092,269, C>A on the plus strand (G>T on the coding strand, the complement: BRCA1 is on the minus strand). VCF-style: chr17-43092269-C-A. GRCh37 (hg19) VCF-style: chr17-41244286-C-A.
Other names: c.461-1237G>T (NM_001408506.1, NM_001408507.1); c.665-1237G>T (NM_001408438.1, NM_001408430.1, NM_001408444.1 and 12 more transcripts); c.671-1237G>T (NM_001408423.1, NM_001408420.1, NM_001408419.1 and 2 more transcripts); c.578-1237G>T (NM_001408481.1, NM_001408480.1, NM_001408492.1 and 9 more transcripts); c.779-1237G>T (NM_001408408.1); c.662-1237G>T (NM_001408446.1, NM_001408435.1, NM_001408448.1 and 6 more transcripts); c.785-1237G>T (NM_001408401.1, NM_001408396.1, NM_001407985.1 and 13 more transcripts); c.548-1237G>T (NM_001408494.1); and 41 more; short protein forms V1000F, V1061F, V1087F, V1018F, V1021F, V960F, V976F, V977F.
Identifiers: ClinVar variation 2565334 (VCV002565334.2), dbSNP rs2154333487, ClinGen allele CA10595461.
Genomic context (GRCh38, chr17:43,092,269, plus strand): 5'-TTTCAGGATGCTTACAATTACTTCCAGGAAGACTTTGTTTATAGACCTCAGGTTGCAAAA[C>A]CCCTAATCTAAGCATAGCATTCAATTTTGGCCCTCTGTTTCTACCTAGTTCTGCTTGAAT-3'
Protein context (NP_009225.1, residues 1078-1098): PKLNAMLRLG[Val1088Phe]LQPEVYKQSL